The following is an entry in ClinVar:

NM_007294.4(BRCA1):c.5005G>T (p.Ala1669Ser)

Gene: BRCA1 (BRCA1 DNA repair associated; minus strand). Cytogenetic location: 17q21.31.
Variant type: single nucleotide variant.
Coding change: c.5005G>T on transcript NM_007294.4 (MANE Select); coding-DNA position 5005, G replaced by T.
Protein change: p.Ala1669Ser; replaces alanine 1669 with serine.
Molecular consequence: missense variant. On other transcripts: non-coding transcript variant (1).
Genome position (GRCh38, 1-based): chr17:43,067,677, C>A on the plus strand (G>T on the coding strand, the complement: BRCA1 is on the minus strand). VCF-style: chr17-43067677-C-A. GRCh37 (hg19) VCF-style: chr17-41219694-C-A.
Other names: p.A1669S:GCC>TCC; c.4792G>T, p.Ala1598Ser (NM_001407571.1, NM_001407894.1, NM_001407895.1 and 12 more transcripts); c.5071G>T, p.Ala1691Ser (NM_001407581.1, NM_001407582.1); c.5068G>T, p.Ala1690Ser (NM_001407583.1, NM_001407585.1, NM_001407587.1 and 1 more transcripts); c.5065G>T, p.Ala1689Ser (NM_001407590.1, NM_001407591.1); c.5005G>T, p.Ala1669Ser (NM_001407593.1, NM_001407594.1, NM_001407596.1 and 8 more transcripts); c.5002G>T, p.Ala1668Ser (NM_001407617.1, NM_001407618.1, NM_001407619.1 and 17 more transcripts); c.4999G>T, p.Ala1667Ser (NM_001407636.1, NM_001407637.1, NM_001407638.1 and 14 more transcripts); and 71 more; short protein forms A1669S, A1690S, A1622S, A565S, A1515S, A1541S, A1557S, A1600S.
Identifiers: ClinVar variation 41831 (VCV000041831.72), dbSNP rs80357087, ClinGen allele CA003152.

ClinVar aggregate classification (germline): Conflicting classifications of pathogenicity. Review status: criteria provided, conflicting classifications (1 of 4 stars). 27 submissions from 25 submitters: Uncertain significance (3); Benign (3); Likely benign (13). 8 of the submissions do not count toward it. Last evaluated 2026-06-01.

Conditions:
Fanconi anemia, complementation group S (FANCS). Identifiers: MedGen C4554406, MONDO:0054748, OMIM 617883.
Breast and/or ovarian cancer. Identifiers: MedGen CN221562.
Hereditary cancer-predisposing syndrome. Also called: Tumor predisposition; Neoplastic Syndromes, Hereditary; Hereditary Cancer Syndrome; Hereditary neoplastic syndrome. Identifiers: Orphanet 140162, MedGen C0027672, MeSH D009386, MONDO:0015356.
Hereditary breast ovarian cancer syndrome. Also called: Hereditary breast and ovarian cancer syndrome; Hereditary breast and ovarian cancer; Hereditary breast and ovarian cancer syndrome (HBOC); Hereditary breast and/or ovarian cancer syndrome; Breast and ovarian cancer; BRCA1- and BRCA2-Associated Hereditary Breast and Ovarian Cancer. Identifiers: Orphanet 145, MedGen C0677776, MeSH D061325, MONDO:0003582. Disease mechanism: loss of function.
Breast-ovarian cancer, familial, susceptibility to, 1 (BROVCA1). Also called: BRCA1 Hereditary Breast and Ovarian Cancer; OVARIAN CANCER, SUSCEPTIBILITY TO. Identifiers: Orphanet 145, MedGen C2676676, MONDO:0011450, OMIM 604370. Disease mechanism: loss of function.
Familial cancer of breast. Also called: Hereditary breast cancer; BREAST CANCER, FAMILIAL; hereditary breast carcinoma. Identifiers: Orphanet 227535, MedGen C0346153, MONDO:0016419, OMIM 114480. Disease mechanism: loss of function.
Malignant tumor of breast. Also called: Cancer breast; Malignant breast neoplasm. Identifiers: MedGen C0006142, MONDO:0007254. Disease mechanism: loss of function.
Breast carcinoma. Also called: Carcinoma of breast. Identifiers: MedGen C0678222, MONDO:0004989, HP:0003002.

Allele frequency attached by ClinVar (database versions not stated): ESP Exome Variant Server 0.00008; TOPMed 0.00008; gnomAD 0.00018 and 0.00019.
gnomAD v4.1: 150 of 1,612,512 alleles (0.0093%); highest among the groups gnomAD compares: Non-Finnish European, 0.012%; no homozygotes.

Submissions 1 to 16 of 28:

CeGaT Center for Human Genetics Tuebingen
Classification: Likely benign. Last evaluated: 2026-06-01. Review status: criteria provided, single submitter. Criteria: CeGaT Center For Human Genetics Tuebingen Variant Classification Criteria Version 2. Collection method: clinical testing. Allele origin: germline. Affected: yes. Observed: 3 variant alleles.
Comment: BRCA1: BS3:Supporting, BS4

Labcorp Genetics (formerly Invitae), Labcorp
Classification: Benign for Hereditary breast ovarian cancer syndrome. Last evaluated: 2026-02-01. Review status: criteria provided, single submitter. Criteria: Invitae Variant Classification Sherloc (09022015). Collection method: clinical testing. Allele origin: germline.

Molecular Diagnostics Laboratory, Catalan Institute of Oncology
Classification: Uncertain significance for Hereditary cancer-predisposing syndrome. Last evaluated: 2025-08-25. Review status: criteria provided, single submitter. Criteria: ClinGen BRCA1BRCA2 ACMG Specifications BRCA1 V1.0.0. Collection method: clinical testing. Allele origin: germline.
Comment: BS1 c.5005G>T, located in exon 16 of the BRCA1 gene, is predicted to result in the substitution of Alanine with Serine at codon 1669, p.(Ala1669Ser). The variant allele was found in 31/118044 alleles, with a filter allele frequency of 0.016% at 99% confidence, within the NFE population in the gnomAD v2.1.1 database (non-cancer data set) (BS1). The SpliceAI algorithm predicts no significant impact on splicing and the BayesDel_noAF predictor score (0.25) for this variant is indeterminate regarding the effect that it may have on protein function. Reported by two or more calibrated studies with discordant results. Functional effect similar to benign control variants (PMIDs: 30209399, 30257991, 30765603) and between what was observed for benign and control variants (PMID: 32546644) (PS3 and BS3 not met). To our knowledge, neither relevant clinical data nor multifactorial analysis have been reported for this variant. It has been reported in ClinVar (2x benign, 17x likely benign, 4x uncertain significance) and LOVD (1x benign, 3x likely benign, 6x uncertain significance, 8x not provided). Based on the currently available evidence, c.5005G>T is classified as an uncertain significance variant according to ClinGen-BRCA1 Guidelines v.1.

Mayo Clinic Laboratories, Mayo Clinic
Classification: Benign. Last evaluated: 2025-08-15. Review status: criteria provided, single submitter. Criteria: ACMG Guidelines, 2015. Collection method: clinical testing. Allele origin: germline. Observed: 1 variant allele.
Comment: BS1, BS3

Dasa
Classification: Likely benign for Breast-ovarian cancer, familial, susceptibility to, 1. Last evaluated: 2025-07-08. Review status: criteria provided, single submitter. Criteria: DASA Assertion Criteria. Collection method: clinical testing. Allele origin: germline.
Comment: NM_007294.4(BRCA1):c.5005G>T (p.Ala1669Ser) is a missense variant that results in the substitution of alanine with serine. This variant has been reported in individuals with Breast-ovarian cancer, familial, susceptibility to, 1 (PMID: 32546644). Based on the available data, this variant is classified as likely benign.

Center for Genomic Medicine, Rigshospitalet, Copenhagen University Hospital
Classification: Likely benign. Last evaluated: 2025-03-04. Review status: criteria provided, single submitter. Criteria: ACMG Guidelines, 2015. Collection method: clinical testing. Allele origin: germline.

Laboratory of Genetics, Children's Clinical University Hospital Latvia
Classification: Likely benign. Last evaluated: 2025-02-16. Review status: criteria provided, single submitter. Criteria: ACMG Guidelines, 2015. Collection method: clinical testing. Allele origin: germline. Affected: yes.

Blueprint Genetics
Classification: Likely benign. Last evaluated: 2024-09-11. Review status: criteria provided, single submitter. Criteria: ACMG Guidelines, 2015. Collection method: clinical testing. Allele origin: germline.

Department of Pathology and Laboratory Medicine, Sinai Health System
Classification: Likely benign for Fanconi anemia, complementation group S. Last evaluated: 2024-04-23. Review status: criteria provided, single submitter. Criteria: ACMG Guidelines, 2015. Collection method: clinical testing. Allele origin: germline. Affected: yes.

CHEO Genetics Diagnostic Laboratory, Children's Hospital of Eastern Ontario
Classification: Likely benign for Breast and/or ovarian cancer. Last evaluated: 2023-04-24. Review status: criteria provided, single submitter. Criteria: ACMG Guidelines, 2015. Collection method: clinical testing. Allele origin: germline.

Sema4
Classification: Likely benign for Hereditary cancer-predisposing syndrome. Last evaluated: 2022-02-09. Review status: criteria provided, single submitter. Criteria: Sema4 Curation Guidelines. Collection method: curation. Allele origin: germline.

Ambry Genetics
Classification: Likely benign for Hereditary cancer-predisposing syndrome. Last evaluated: 2018-09-26. Review status: criteria provided, single submitter. Criteria: Ambry Variant Classification Scheme 2023. Collection method: clinical testing. Allele origin: germline.

GeneDx
Classification: Likely benign. Last evaluated: 2017-09-11. Review status: criteria provided, single submitter. Criteria: GeneDx Variant Classification (06012015). Collection method: clinical testing. Allele origin: germline. Affected: yes.
Comment: This variant is considered likely benign or benign based on one or more of the following criteria: it is a conservative change, it occurs at a poorly conserved position in the protein, it is predicted to be benign by multiple in silico algorithms, and/or has population frequency not consistent with disease.

Genetic Services Laboratory, University of Chicago
Classification: Likely benign. Last evaluated: 2016-10-26. Review status: criteria provided, single submitter. Criteria: ACMG Guidelines, 2015. Collection method: clinical testing. Allele origin: germline. Affected: no.

Color Diagnostics, LLC DBA Color Health
Classification: Likely benign for Hereditary cancer-predisposing syndrome. Last evaluated: 2016-07-20. Review status: criteria provided, single submitter. Criteria: ACMG Guidelines, 2015. Collection method: clinical testing. Allele origin: germline.

Laboratory for Molecular Medicine, Mass General Brigham Personalized Medicine
Classification: Uncertain significance. Last evaluated: 2016-06-23. Review status: criteria provided, single submitter. Criteria: LMM Criteria. Collection method: clinical testing. Allele origin: germline.
Comment: Variant identified in a genome or exome case(s) and assessed due to predicted null impact of the variant or pathogenic assertions in the literature or databases. Disclaimer: This variant has not undergone full assessment. The following are preliminary notes: Multiple reports describe as nonpathogenic; ClinVar: 4 B/LB, 2 VUS